The following is an entry in ClinVar:

NM_032383.5(HPS3):c.216T>A (p.Ala72=)

Gene: HPS3 (HPS3 biogenesis of lysosomal organelles complex 2 subunit 1; plus strand). Cytogenetic location: 3q24.
Variant type: single nucleotide variant.
Coding change: c.216T>A on transcript NM_032383.5 (MANE Select); coding-DNA position 216, T replaced by A.
Protein change: p.Ala72=; no amino-acid change (alanine 72 retained).
Molecular consequence: synonymous variant.
Genome position (GRCh38, 1-based): chr3:149,129,939, T>A. VCF-style: chr3-149129939-T-A. GRCh37 (hg19) VCF-style: chr3-148847726-T-A.
Other names: c.216T>A, p.Ala72= (NM_001308258.2).
Identifiers: ClinVar variation 1988227 (VCV001988227.1), dbSNP rs1721650218, ClinGen allele CA436205094.
Genomic context (GRCh38, chr3:149,129,939, plus strand): 5'-CCAGCCGCGGTGCGCCTTCTCCACGCTGGGCCGGGTGTTGCGCCTGGCCTACAGCGAGGC[T>A]GGTGAGTAATCTAGAGAGCCAGGGGCCGCCTGGGGTCCAGCTTGAGGCCTCCTAGCTAGC-3'
Protein context (NP_115759.2, residues 62-82): GRVLRLAYSE[Ala72=]GDYLVAIEEK

ClinVar aggregate classification (germline): Uncertain significance (1 of 4 stars; one submission).

Submission:

Labcorp Genetics (formerly Invitae), Labcorp
Classification: Uncertain significance. Last evaluated: 2022-03-17. Review status: criteria provided, single submitter. Criteria: Invitae Variant Classification Sherloc (09022015). Collection method: clinical testing. Allele origin: germline.
Comment: This sequence change affects codon 72 of the HPS3 mRNA. It is a 'silent' change, meaning that it does not change the encoded amino acid sequence of the HPS3 protein. It affects a nucleotide within the consensus splice site. This variant is not present in population databases (gnomAD no frequency). This variant has not been reported in the literature in individuals affected with HPS3-related conditions. Algorithms developed to predict the effect of sequence changes on RNA splicing suggest that this variant is not likely to affect RNA splicing. In summary, the available evidence is currently insufficient to determine the role of this variant in disease. Therefore, it has been classified as a Variant of Uncertain Significance.